The following is an entry in ClinVar:

ClinVar aggregate classification (germline): Uncertain significance. Review status: criteria provided, multiple submitters, no conflicts (2 of 4 stars). 4 submissions from 4 submitters: Uncertain significance (3). 1 of the submissions does not count toward it. Last evaluated 2025-03-03.

Conditions:
Cardiovascular phenotype. Identifiers: MedGen CN230736.
Alstrom syndrome (ALMS). Identifiers: Orphanet 64, MedGen C0268425, MONDO:0008763, OMIM 203800.

Allele frequency attached by ClinVar (database versions not stated): gnomAD exomes 0.00001 and 0.00004; TOPMed 0.00001; ExAC 0.00007.
gnomAD v4.1: 15 of 1,614,154 alleles (0.00093%); highest among the groups gnomAD compares: Admixed American, 0.015%; no homozygotes.

Submissions (4):

GeneDx
Classification: Uncertain significance. Last evaluated: 2025-03-03. Review status: criteria provided, single submitter. Criteria: GeneDx Variant Classification Process June 2021. Collection method: clinical testing. Allele origin: germline. Affected: yes.
Comment: In silico analysis indicates that this missense variant does not alter protein structure/function; Has not been previously published as pathogenic or benign to our knowledge

Labcorp Genetics (formerly Invitae), Labcorp
Classification: Uncertain significance for Alstrom syndrome. Last evaluated: 2022-09-02. Review status: criteria provided, single submitter. Criteria: Invitae Variant Classification Sherloc (09022015). Collection method: clinical testing. Allele origin: germline.
Comment: This sequence change replaces serine, which is neutral and polar, with cysteine, which is neutral and slightly polar, at codon 1757 of the ALMS1 protein (p.Ser1757Cys). This variant is present in population databases (rs761486372, gnomAD 0.02%). This variant has not been reported in the literature in individuals affected with ALMS1-related conditions. ClinVar contains an entry for this variant (Variation ID: 459871). In summary, the available evidence is currently insufficient to determine the role of this variant in disease. Therefore, it has been classified as a Variant of Uncertain Significance.

Ambry Genetics
Classification: Uncertain significance for Cardiovascular phenotype. Last evaluated: 2021-01-08. Review status: criteria provided, single submitter. Criteria: Ambry Variant Classification Scheme 2023. Collection method: clinical testing. Allele origin: germline.
Comment: The c.5270C>G (p.S1757C) alteration is located in exon 8 (coding exon 8) of the ALMS1 gene. This alteration results from a C to G substitution at nucleotide position 5270, causing the serine (S) at amino acid position 1757 to be replaced by a cysteine (C). The p.S1757C alteration is predicted to be tolerated by in silico analysis. Based on insufficient or conflicting evidence, the clinical significance of this alteration remains unclear.

Natera, Inc.
Classification: Uncertain significance for Alstrom syndrome. Last evaluated: 2021-08-08. Review status: no assertion criteria provided. Collection method: clinical testing. Allele origin: germline. Not counted in ClinVar's aggregate classification.

NM_001378454.1(ALMS1):c.5267C>G (p.Ser1756Cys)

Gene: ALMS1 (ALMS1 centrosome and basal body associated protein; plus strand). Cytogenetic location: 2p13.1.
Variant type: single nucleotide variant.
Coding change: c.5267C>G on transcript NM_001378454.1 (MANE Select); coding-DNA position 5267, C replaced by G.
Protein change: p.Ser1756Cys; replaces serine 1756 with cysteine.
Molecular consequence: missense variant.
Genome position (GRCh38, 1-based): chr2:73,451,794, C>G. VCF-style: chr2-73451794-C-G. GRCh37 (hg19) VCF-style: chr2-73678921-C-G.
Other names: c.5270C>G, p.Ser1757Cys (NM_015120.4); short protein forms S1757C, S1756C.
Identifiers: ClinVar variation 459871 (VCV000459871.12), dbSNP rs761486372, ClinGen allele CA1713852.